The following is an entry in ClinVar:

NM_001267550.2(TTN):c.10104T>G (p.Val3368=)

Gene: TTN (titin; minus strand). Cytogenetic location: 2q31.2.
Variant type: single nucleotide variant.
Coding change: c.10104T>G on transcript NM_001267550.2 (MANE Select); coding-DNA position 10104, T replaced by G.
Protein change: p.Val3368=; no amino-acid change (valine 3368 retained).
Molecular consequence: synonymous variant.
Genome position (GRCh38, 1-based): chr2:178,764,187, A>C on the plus strand (T>G on the coding strand, the complement: TTN is on the minus strand). VCF-style: chr2-178764187-A-C. GRCh37 (hg19) VCF-style: chr2-179628914-A-C.
Other names: c.10104T>G, p.Val3368= (NM_001256850.1, NM_133378.4, NM_133379.5); c.9966T>G, p.Val3322= (NM_003319.4, NM_133432.3, NM_133437.4).
Identifiers: ClinVar variation 178266 (VCV000178266.67), dbSNP rs142460433, ClinGen allele CA346125.
Genomic context (GRCh38, chr2:178,764,187, plus strand): 5'-TGTAATTATTTGTAAGTATTGGCAATGACACCTTTTGTTCTTAAACCTACCTGTTCCAGA[A>C]ACCCGGCATTGAAAACGGGCTGGCTGCCCTTCAGAAGTGACAGTGTCCTGAAGCGGGGTG-3'
Protein context (NP_001254479.2, residues 3358-3378): EGQPARFQCR[Val3368=]SGTDLKVSWY

ClinVar aggregate classification (germline): Conflicting classifications of pathogenicity. Review status: criteria provided, conflicting classifications (1 of 4 stars). 18 submissions from 14 submitters: Uncertain significance (3); Benign (6); Likely benign (6). 3 of the submissions do not count toward it. Last evaluated 2026-09-21.

Conditions:
TTN-related disorder. Also called: TTN-related disorders; TTN-related condition; TTN-related disease.
Cardiovascular phenotype. Identifiers: MedGen CN230736.
Dilated cardiomyopathy 1G (CMD1G). Identifiers: Orphanet 154, MedGen C1858763, MONDO:0011400, OMIM 604145.
Autosomal recessive limb-girdle muscular dystrophy type 2J (LGMDR10). Also called: Limb-girdle muscular dystrophy, type 2J; MUSCULAR DYSTROPHY, LIMB-GIRDLE, AUTOSOMAL RECESSIVE 10. Identifiers: Orphanet 140922, MedGen C1837342, MONDO:0012127, OMIM 608807.
Myopathy, myofibrillar, 9, with early respiratory failure (MFM9). Also called: Hereditary myopathy with early respiratory failure; MYOPATHY, PROXIMAL, WITH EARLY RESPIRATORY MUSCLE INVOLVEMENT; EDSTROM MYOPATHY; Myopathy, distal, with early respiratory failure, autosomal dominant. Identifiers: Orphanet 178464, Orphanet 34521, MedGen C1863599, MONDO:0011362, OMIM 603689.
Tibial muscular dystrophy (TMD). Also called: UDD MYOPATHY; Tibial muscular dystrophy, tardive; Udd Distal Myopathy – Tibial Muscular Dystrophy. Identifiers: Orphanet 609, MedGen C1838244, MONDO:0010870, OMIM 600334.
Early-onset myopathy with fatal cardiomyopathy (CMYO5). Also called: CONGENITAL MYOPATHY 5 WITH CARDIOMYOPATHY; Salih Myopathy. Identifiers: Orphanet 289377, MedGen C2673677, MONDO:0012714, OMIM 611705. Disease mechanism: loss of function.

Allele frequency attached by ClinVar (database versions not stated): gnomAD exomes 0.00012 and 0.00030; ExAC 0.00039; 1000 Genomes Project 0.00060; 1000 Genomes Project 30x 0.00062; gnomAD 0.00134 and 0.00145; TOPMed 0.00138; ESP Exome Variant Server 0.00146.
gnomAD v4.1: 392 of 1,614,160 alleles (0.024%); highest among the groups gnomAD compares: African/African-American, 0.47%; 1 homozygote.

Submissions (18):

Molecular Diagnostic Laboratory for Inherited Cardiovascular Disease, Montreal Heart Institute
Classification: Likely benign. Last evaluated: 2026-09-21. Review status: criteria provided, single submitter. Criteria: ACMG Guidelines, 2015. Collection method: clinical testing. Allele origin: germline. Affected: no.
Comment: BS1;BP7

Labcorp Genetics (formerly Invitae), Labcorp
Classification: Benign for Dilated cardiomyopathy 1G; Autosomal recessive limb-girdle muscular dystrophy type 2J. Last evaluated: 2026-01-31. Review status: criteria provided, single submitter. Criteria: Invitae Variant Classification Sherloc (09022015). Collection method: clinical testing. Allele origin: germline.

Blueprint Genetics
Classification: Likely benign. Last evaluated: 2024-09-03. Review status: criteria provided, single submitter. Criteria: ACMG Guidelines, 2015. Collection method: clinical testing. Allele origin: germline.

CeGaT Center for Human Genetics Tuebingen
Classification: Likely benign. Last evaluated: 2024-09-01. Review status: criteria provided, single submitter. Criteria: CeGaT Center For Human Genetics Tuebingen Variant Classification Criteria Version 2. Collection method: clinical testing. Allele origin: germline. Affected: yes. Observed: 3 variant alleles.
Comment: TTN: BP4, BP7

Women's Health and Genetics/Laboratory Corporation of America, LabCorp
Classification: Likely benign. Last evaluated: 2020-01-19. Review status: criteria provided, single submitter. Criteria: LabCorp Variant Classification Summary - May 2015. Collection method: clinical testing. Allele origin: germline.

Illumina Laboratory Services, Illumina
Classification: Uncertain significance for Dilated cardiomyopathy 1G. Last evaluated: 2018-01-13. Review status: criteria provided, single submitter. Criteria: ICSL Variant Classification Criteria 13 December 2019. Collection method: clinical testing. Allele origin: germline.

Illumina Laboratory Services, Illumina
Classification: Uncertain significance for Autosomal recessive limb-girdle muscular dystrophy type 2J. Last evaluated: 2018-01-13. Review status: criteria provided, single submitter. Criteria: ICSL Variant Classification Criteria 13 December 2019. Collection method: clinical testing. Allele origin: germline.

Illumina Laboratory Services, Illumina
Classification: Uncertain significance for Early-onset myopathy with fatal cardiomyopathy. Last evaluated: 2018-01-13. Review status: criteria provided, single submitter. Criteria: ICSL Variant Classification Criteria 13 December 2019. Collection method: clinical testing. Allele origin: germline.

Illumina Laboratory Services, Illumina
Classification: Benign for Tibial muscular dystrophy. Last evaluated: 2018-01-13. Review status: criteria provided, single submitter. Criteria: ICSL Variant Classification Criteria 13 December 2019. Collection method: clinical testing. Allele origin: germline.
Comment: This variant was observed in the ICSL laboratory as part of a predisposition screen in an ostensibly healthy population. It had not been previously curated by ICSL or reported in the Human Gene Mutation Database (HGMD: prior to June 1st, 2018), and was therefore a candidate for classification through an automated scoring system. Utilizing variant allele frequency, disease prevalence and penetrance estimates, and inheritance mode, an automated score was calculated to assess if this variant is too frequent to cause the disease. Based on the score and internal cut-off values, a variant classified as benign is not then subjected to further curation. The score for this variant resulted in a classification of benign for this disease.

Illumina Laboratory Services, Illumina
Classification: Benign for Myopathy, myofibrillar, 9, with early respiratory failure. Last evaluated: 2018-01-13. Review status: criteria provided, single submitter. Criteria: ICSL Variant Classification Criteria 13 December 2019. Collection method: clinical testing. Allele origin: germline.
Comment: the same text as in the submission from Illumina Laboratory Services, Illumina above.

Athena Diagnostics
Classification: Benign. Last evaluated: 2017-09-30. Review status: criteria provided, single submitter. Criteria: Athena Diagnostics Criteria. Collection method: clinical testing. Allele origin: germline.

Ambry Genetics
Classification: Likely benign for Cardiovascular phenotype. Last evaluated: 2016-02-01. Review status: criteria provided, single submitter. Criteria: Ambry Variant Classification Scheme 2023. Collection method: clinical testing. Allele origin: germline.

GeneDx
Classification: Benign. Last evaluated: 2015-08-24. Review status: criteria provided, single submitter. Criteria: GeneDx Variant Classification (06012015). Collection method: clinical testing. Allele origin: germline. Affected: yes.
Comment: This variant is considered likely benign or benign based on one or more of the following criteria: it is a conservative change, it occurs at a poorly conserved position in the protein, it is predicted to be benign by multiple in silico algorithms, and/or has population frequency not consistent with disease.

Eurofins Ntd Llc (ga)
Classification: Likely benign. Last evaluated: 2015-07-17. Review status: criteria provided, single submitter. Criteria: EGL Classification Definitions 2015. Collection method: clinical testing. Allele origin: germline. Observed: 1 variant allele, 1 heterozygote.

Laboratory for Molecular Medicine, Mass General Brigham Personalized Medicine
Classification: Benign. Last evaluated: 2012-03-19. Review status: criteria provided, single submitter. Criteria: LMM Criteria. Collection method: clinical testing. Allele origin: germline. Observed: 1 variant allele.
Comment: p.Val3368Val in Exon 43 of TTN: This variant is not expected to have clinical si gnificance because it does not alter an amino acid residue, is not located withi n the splice consensus sequence and has been identified in 0.4% (15/3738) of Afr ican American chromosomes from a broad population by the NHLBI Exome Sequencing Project (dbSNP rs142460433).

PreventionGenetics, part of Exact Sciences
Classification: Benign for TTN-related condition. Last evaluated: 2020-01-02. Review status: no assertion criteria provided. Collection method: clinical testing. Allele origin: germline. Not counted in ClinVar's aggregate classification.
Comment: This variant is classified as benign based on ACMG/AMP sequence variant interpretation guidelines (Richards et al. 2015 PMID: 25741868, with internal and published modifications).

Clinical Genetics DNA and cytogenetics Diagnostics Lab, Erasmus MC, Erasmus Medical Center
Classification: Likely benign. Review status: no assertion criteria provided. Collection method: clinical testing. Allele origin: germline. Affected: yes. Study: VKGL Data-share Consensus. Not counted in ClinVar's aggregate classification.

Genome Diagnostics Laboratory, University Medical Center Utrecht
Classification: Likely benign. Review status: no assertion criteria provided. Collection method: clinical testing. Allele origin: germline. Affected: yes. Study: VKGL Data-share Consensus. Not counted in ClinVar's aggregate classification.